The following is an entry in ClinVar:

ClinVar aggregate classification (germline): Likely benign (1 of 4 stars; one submission).

gnomAD v4.1: 16 of 1,613,960 alleles (0.00099%); highest among the groups gnomAD compares: African/African-American, 0.0053%; no homozygotes.

Submission:

CeGaT Center for Human Genetics Tuebingen
Classification: Likely benign. Last evaluated: 2026-07-01. Review status: criteria provided, single submitter. Criteria: CeGaT Center For Human Genetics Tuebingen Variant Classification Criteria Version 2. Collection method: clinical testing. Allele origin: germline. Affected: yes. Observed: 1 variant allele.
Comment: BPTF: BP4, BP7

NM_182641.4(BPTF):c.1104C>T (p.Val368=)

Gene: BPTF (bromodomain PHD finger transcription factor; plus strand). Cytogenetic location: 17q24.2.
Variant type: single nucleotide variant.
Coding change: c.1104C>T on transcript NM_182641.4 (MANE Select); coding-DNA position 1104, C replaced by T.
Protein change: p.Val368=; no amino-acid change (valine 368 retained).
Molecular consequence: synonymous variant.
Genome position (GRCh38, 1-based): chr17:67,854,430, C>T. VCF-style: chr17-67854430-C-T. GRCh37 (hg19) VCF-style: chr17-65850546-C-T.
Other names: c.1104C>T, p.Val368= (NM_001439139.1, NM_001439140.1, NM_001439141.1 and 4 more transcripts).
Identifiers: ClinVar variation 5039342 (VCV005039342.1).